The following is an entry in ClinVar:

NM_000444.6(PHEX):c.653A>G (p.His218Arg)

Gene: PHEX (phosphate regulating endopeptidase X-linked; plus strand). Cytogenetic location: Xp22.11.
Variant type: single nucleotide variant.
Coding change: c.653A>G on transcript NM_000444.6 (MANE Select); coding-DNA position 653, A replaced by G.
Protein change: p.His218Arg; replaces histidine 218 with arginine.
Molecular consequence: missense variant.
Genome position (GRCh38, 1-based): chrX:22,077,692, A>G. VCF-style: chrX-22077692-A-G. GRCh37 (hg19) VCF-style: chrX-22095810-A-G.
Other names: c.653A>G, p.His218Arg (NM_001282754.2); c.653A>G (NM_000444.5); short protein forms H218R.
Identifiers: ClinVar variation 913064 (VCV000913064.9), dbSNP rs774907553, ClinGen allele CA10368072.

ClinVar aggregate classification (germline): Conflicting classifications of pathogenicity. Review status: criteria provided, conflicting classifications (1 of 4 stars). 5 submissions from 5 submitters: Uncertain significance (1); Benign (1); Likely benign (2). 1 of the submissions does not count toward it. Last evaluated 2025-05-26.

Conditions:
Inborn genetic diseases. Identifiers: MedGen C0950123, MeSH D030342.
Familial X-linked hypophosphatemic vitamin D refractory rickets (XLHRD). Also called: HYPOPHOSPHATEMIC VITAMIN D-RESISTANT RICKETS; X-Linked Hypophosphatemia; Hypophosphatemia, vitamin D-resistant rickets; Vitamin D-resistant rickets, X-linked; Hypophosphatemic Rickets, X-Linked Dominant. Identifiers: Orphanet 89936, MedGen C0733682, MONDO:0010619, OMIM 307800.
PHEX-related disorder. Also called: PHEX-related condition.

Allele frequency attached by ClinVar (database versions not stated): gnomAD below 0.00001 and 0.00003; TOPMed 0.00001; gnomAD exomes 0.00006 and 0.00010; ExAC 0.00010; 1000 Genomes Project 30x 0.00021; 1000 Genomes Project 0.00026.
gnomAD v4.1: 66 of 1,193,886 alleles (0.0055%); highest among the groups gnomAD compares: South Asian, 0.11%; no homozygotes.

Submissions (5):

Labcorp Genetics (formerly Invitae), Labcorp
Classification: Benign. Last evaluated: 2025-05-26. Review status: criteria provided, single submitter. Criteria: Invitae Variant Classification Sherloc (09022015). Collection method: clinical testing. Allele origin: germline.

Ambry Genetics
Classification: Uncertain significance for Inborn genetic diseases. Last evaluated: 2025-03-21. Review status: criteria provided, single submitter. Criteria: Ambry Variant Classification Scheme 2023. Collection method: clinical testing. Allele origin: germline.

Fulgent Genetics
Classification: Likely benign for Familial X-linked hypophosphatemic vitamin D refractory rickets. Last evaluated: 2021-10-21. Review status: criteria provided, single submitter. Criteria: ACMG Guidelines, 2015. Collection method: clinical testing. Allele origin: unknown.

Illumina Laboratory Services, Illumina
Classification: Likely benign for Familial X-linked hypophosphatemic vitamin D refractory rickets. Last evaluated: 2018-01-13. Review status: criteria provided, single submitter. Criteria: ICSL Variant Classification Criteria 13 December 2019. Collection method: clinical testing. Allele origin: germline.
Comment: This variant was observed in the ICSL laboratory as part of a predisposition screen in an ostensibly healthy population. It had not been previously curated by ICSL or reported in the Human Gene Mutation Database (HGMD: prior to June 1st, 2018), and was therefore a candidate for classification through an automated scoring system. Utilizing variant allele frequency, disease prevalence and penetrance estimates, and inheritance mode, an automated score was calculated to assess if this variant is too frequent to cause the disease. Based on the score and internal cut-off values, a variant classified as likely benign is not then subjected to further curation. The score for this variant resulted in a classification of likely benign for this disease.

PreventionGenetics, part of Exact Sciences
Classification: Likely benign for PHEX-related condition. Last evaluated: 2022-11-02. Review status: no assertion criteria provided. Collection method: clinical testing. Allele origin: germline. Not counted in ClinVar's aggregate classification.
Comment: This variant is classified as likely benign based on ACMG/AMP sequence variant interpretation guidelines (Richards et al. 2015 PMID: 25741868, with internal and published modifications).